The following is an entry in ClinVar:

NM_000340.2(SLC2A2):c.*476T>C

Gene: SLC2A2 (solute carrier family 2 member 2; minus strand). Cytogenetic location: 3q26.2.
Variant type: single nucleotide variant.
Coding change: c.*476T>C on transcript NM_000340.2 (MANE Select); 476 bases downstream of the stop codon, T replaced by C.
Molecular consequence: 3 prime UTR variant.
Genome position (GRCh38, 1-based): chr3:170,997,427, A>G on the plus strand (T>C on the coding strand, the complement: SLC2A2 is on the minus strand). VCF-style: chr3-170997427-A-G. GRCh37 (hg19) VCF-style: chr3-170715216-A-G.
Other names: c.*476T>C (NM_001278658.2, NM_001278659.2).
Identifiers: ClinVar variation 344150 (VCV000344150.5), dbSNP rs75975646, ClinGen allele CA10615802.

ClinVar aggregate classification (germline): Benign (1 of 4 stars; one submission).

Conditions:
Fanconi-Bickel syndrome (FBS). Also called: HEPATIC GLYCOGENOSIS WITH FANCONI NEPHROPATHY; HEPATORENAL GLYCOGENOSIS WITH RENAL FANCONI SYNDROME; PSEUDO-PHLORIZIN DIABETES; Glycogen storage disease due to GLUT2 deficiency; FANCONI SYNDROME WITH INTESTINAL MALABSORPTION AND GALACTOSE INTOLERANCE; HEPATIC GLYCOGENOSIS WITH AMINO ACIDURIA AND GLUCOSURIA. Identifiers: Orphanet 2088, MedGen C3495427, MONDO:0009216, OMIM 227810.

Allele frequency attached by ClinVar (database versions not stated): gnomAD exomes 0.00086; gnomAD 0.01273 and 0.01358; TOPMed 0.01422; 1000 Genomes Project 0.01498; 1000 Genomes Project 30x 0.01624.
gnomAD v4.1: 1,929 of 159,486 alleles (1.2%); highest among the groups gnomAD compares: African/African-American, 4.4%; 46 homozygotes.

Submission:

Illumina Laboratory Services, Illumina
Classification: Benign for Fanconi-Bickel syndrome. Last evaluated: 2018-01-12. Review status: criteria provided, single submitter. Criteria: ICSL Variant Classification Criteria 13 December 2019. Collection method: clinical testing. Allele origin: germline.
Comment: This variant was observed in the ICSL laboratory as part of a predisposition screen in an ostensibly healthy population. It had not been previously curated by ICSL or reported in the Human Gene Mutation Database (HGMD: prior to June 1st, 2018), and was therefore a candidate for classification through an automated scoring system. Utilizing variant allele frequency, disease prevalence and penetrance estimates, and inheritance mode, an automated score was calculated to assess if this variant is too frequent to cause the disease. Based on the score and internal cut-off values, a variant classified as benign is not then subjected to further curation. The score for this variant resulted in a classification of benign for this disease.